The following is an entry in ClinVar:

ClinVar aggregate classification (germline): Likely benign (0 of 4 stars; one submission).

Conditions:
BLTP1-related disorder. Also called: BLTP1-related condition.

Allele frequency attached by ClinVar (database versions not stated): ExAC 0.00001; gnomAD 0.00003; TOPMed 0.00003; gnomAD exomes 0.00006.
gnomAD v4.1: 91 of 1,612,604 alleles (0.0056%); highest among the groups gnomAD compares: Non-Finnish European, 0.0068%; no homozygotes.

Submission:

PreventionGenetics, part of Exact Sciences
Classification: Likely benign for BLTP1-related condition. Last evaluated: 2020-10-09. Review status: no assertion criteria provided. Collection method: clinical testing. Allele origin: germline.
Comment: This variant is classified as likely benign based on ACMG/AMP sequence variant interpretation guidelines (Richards et al. 2015 PMID: 25741868, with internal and published modifications).

NM_001384125.1(BLTP1):c.6381C>T (p.Ser2127=)

Gene: BLTP1 (bridge-like lipid transfer protein family member 1; plus strand). Cytogenetic location: 4q27.
Variant type: single nucleotide variant.
Coding change: c.6381C>T on transcript NM_001384125.1 (MANE Select); coding-DNA position 6381, C replaced by T.
Protein change: p.Ser2127=; no amino-acid change (serine 2127 retained).
Molecular consequence: synonymous variant.
Genome position (GRCh38, 1-based): chr4:122,257,257, C>T. VCF-style: chr4-122257257-C-T. GRCh37 (hg19) VCF-style: chr4-123178412-C-T.
Other names: c.6381C>T, p.Ser2127= (NM_015312.4).
Identifiers: ClinVar variation 3045197 (VCV003045197.2), dbSNP rs754318261, ClinGen allele CA3066823.